The following is an entry in ClinVar:

NM_001035.3(RYR2):c.13329-10G>C

Gene: RYR2 (ryanodine receptor 2; plus strand). Cytogenetic location: 1q43.
Variant type: single nucleotide variant.
Coding change: c.13329-10G>C on transcript NM_001035.3 (MANE Select); 10 bases into the intron before coding-DNA position 13329, G replaced by C.
Molecular consequence: intron variant.
Genome position (GRCh38, 1-based): chr1:237,787,978, G>C. VCF-style: chr1-237787978-G-C. GRCh37 (hg19) VCF-style: chr1-237951278-G-C.
Other names: c.13329-10G>C (NM_001035.2).
Identifiers: ClinVar variation 918954 (VCV000918954.17), dbSNP rs754319442, ClinGen allele CA085345.
Genomic context (GRCh38, chr1:237,787,978, plus strand): 5'-AATTTTCCACAACACCCGTTTAGTTCTTTAGTTTCTGGAGAGCTTATGTTTTGTTTGTTT[G>C]TTTTCATAGGGGAGAAGATGGAGAAAAAGAAGAGAAAGCCAAGGAAGACAAGGGCAAACA-3'

ClinVar aggregate classification (germline): Conflicting classifications of pathogenicity. Review status: criteria provided, conflicting classifications (1 of 4 stars). 5 submissions from 5 submitters: Uncertain significance (1); Likely benign (4). Last evaluated 2025-12-21.

Conditions:
Cardiomyopathy (CMYO). Also called: Cardiomyopathies. Identifiers: Orphanet 167848, MedGen C0878544, MONDO:0004994, HP:0001638. Inheritance: Various modes of inheritance.
Catecholaminergic polymorphic ventricular tachycardia 1. Also called: RYR2-Related Catecholaminergic Polymorphic Ventricular Tachycardia; VENTRICULAR TACHYCARDIA, STRESS-INDUCED POLYMORPHIC 1; VENTRICULAR TACHYCARDIA, CATECHOLAMINERGIC POLYMORPHIC, 1, WITH OR WITHOUT ATRIAL DYSFUNCTION AND/OR DILATED CARDIOMYOPATHY. Identifiers: Orphanet 3286, MedGen C1631597, MONDO:0011484, OMIM 604772.
Catecholaminergic polymorphic ventricular tachycardia (CVPT). Also called: Catecholamine-induced polymorphic ventricular tachycardia. Identifiers: Orphanet 3286, MedGen C5574922, MONDO:0017990.

Allele frequency attached by ClinVar (database versions not stated): gnomAD 0.00001; TOPMed 0.00001; gnomAD exomes 0.00002 and 0.00003; ExAC 0.00003.
gnomAD v4.1: 28 of 1,578,114 alleles (0.0018%); highest among the groups gnomAD compares: Non-Finnish European, 0.0023%; no homozygotes.

Submissions (5):

Labcorp Genetics (formerly Invitae), Labcorp
Classification: Likely benign for Catecholaminergic polymorphic ventricular tachycardia 1. Last evaluated: 2025-12-21. Review status: criteria provided, single submitter. Criteria: Invitae Variant Classification Sherloc (09022015). Collection method: clinical testing. Allele origin: germline.

Blueprint Genetics
Classification: Likely benign. Last evaluated: 2024-10-30. Review status: criteria provided, single submitter. Criteria: ACMG Guidelines, 2015. Collection method: clinical testing. Allele origin: germline.

All of Us Research Program, National Institutes of Health
Classification: Likely benign for Catecholaminergic polymorphic ventricular tachycardia. Last evaluated: 2024-02-05. Review status: criteria provided, single submitter. Criteria: ACMG Guidelines, 2015. Collection method: clinical testing. Allele origin: germline. Inheritance: Autosomal dominant inheritance. Observed: 9 variant alleles, 9 heterozygotes.
Comment: This study involves interpretation of variants in research participants for the purpose of population health screening. Participant phenotype was not available at the time of variant classification. Additional details can be found in publication PMID: 35346344, PMCID: PMC8962531

Revvity Omics, Revvity
Classification: Uncertain significance. Last evaluated: 2020-06-10. Review status: criteria provided, single submitter. Criteria: ACMG Guidelines, 2015. Collection method: clinical testing. Allele origin: germline.

Color Diagnostics, LLC DBA Color Health
Classification: Likely benign for Cardiomyopathy. Last evaluated: 2018-12-13. Review status: criteria provided, single submitter. Criteria: ACMG Guidelines, 2015. Collection method: clinical testing. Allele origin: germline.